The following is an entry in ClinVar:

NM_152564.5(VPS13B):c.9585G>A (p.Gly3195=)

Gene: VPS13B (vacuolar protein sorting 13 homolog B; plus strand). Cytogenetic location: 8q22.2.
Variant type: single nucleotide variant.
Coding change: c.9585G>A on transcript NM_152564.5 (MANE Select); coding-DNA position 9585, G replaced by A.
Protein change: p.Gly3195=; no amino-acid change (glycine 3195 retained).
Molecular consequence: synonymous variant.
Genome position (GRCh38, 1-based): chr8:99,832,623, G>A. VCF-style: chr8-99832623-G-A. GRCh37 (hg19) VCF-style: chr8-100844851-G-A.
Other names: c.9585G>A (NM_152564.4); c.9660G>A, p.Gly3220= (NM_017890.5).
Identifiers: ClinVar variation 799439 (VCV000799439.13), dbSNP rs1334078728, ClinGen allele CA462458031.
Genomic context (GRCh38, chr8:99,832,623, plus strand): 5'-GAGCCTGCCAGCTATAGTTAGACCAGAGTTTCCCAGACAGAGTGTGGCAGTACCCCTCGG[G>A]AATTTCCGGGAAAATGGATTCTGTACCAGGTATTTTATGTTTATATAAATGTCTGTTCTT-3'
Protein context (NP_689777.3, residues 3185-3205): FPRQSVAVPL[Gly3195=]NFRENGFCTR

ClinVar aggregate classification (germline): Likely benign. Review status: criteria provided, multiple submitters, no conflicts (2 of 4 stars). 3 submissions from 3 submitters: Likely benign (2). 1 of the submissions does not count toward it. Last evaluated 2025-06-29.

Conditions:
VPS13B-related disorder. Also called: VPS13B-related condition.
Cohen syndrome (COH1). Also called: PEPPER SYNDROME; Cutis verticis gyrata, retinitis pigmentosa, and sensorineural deafness. Identifiers: Orphanet 193, MedGen C0265223, MONDO:0008999, OMIM 216550.

Allele frequency attached by ClinVar (database versions not stated): gnomAD exomes below 0.00001 and 0.00001.
gnomAD v4.1: 5 of 1,613,726 alleles (0.00031%); highest among the groups gnomAD compares: Admixed American, 0.0033%; no homozygotes.

Submissions (3):

Labcorp Genetics (formerly Invitae), Labcorp
Classification: Likely benign for Cohen syndrome. Last evaluated: 2025-06-29. Review status: criteria provided, single submitter. Criteria: Invitae Variant Classification Sherloc (09022015). Collection method: clinical testing. Allele origin: germline.

PreventionGenetics, part of Exact Sciences
Classification: Likely benign for VPS13B-related condition. Last evaluated: 2025-03-20. Review status: criteria provided, single submitter. Criteria: ACMG Guidelines, 2015. Collection method: clinical testing. Allele origin: germline.
Comment: This variant is classified as likely benign based on ACMG/AMP sequence variant interpretation guidelines (Richards et al. 2015 PMID: 25741868, with internal and published modifications).

Natera, Inc.
Classification: Likely benign for Cohen syndrome. Last evaluated: 2020-10-12. Review status: no assertion criteria provided. Collection method: clinical testing. Allele origin: germline. Not counted in ClinVar's aggregate classification.